The following is an entry in ClinVar:

ClinVar aggregate classification (germline): Uncertain significance. Review status: criteria provided, multiple submitters, no conflicts (2 of 4 stars). 2 submissions from 2 submitters: Uncertain significance (2). Last evaluated 2026-02-20.

Allele frequency attached by ClinVar (database versions not stated): gnomAD exomes below 0.00001.
gnomAD v4.1: 1 of 1,614,016 alleles (0.000062%); highest among the groups gnomAD compares: Middle Eastern, 0.016%; no homozygotes.

Submissions (2):

GeneDx
Classification: Uncertain significance. Last evaluated: 2026-02-20. Review status: criteria provided, single submitter. Criteria: GeneDx Variant Classification Process June 2021. Collection method: clinical testing. Allele origin: germline.
Comment: Not observed at significant frequency in large population cohorts (gnomAD); In silico analysis supports that this missense variant has a deleterious effect on protein structure/function; Has not been previously published as pathogenic or benign to our knowledge

Labcorp Genetics (formerly Invitae), Labcorp
Classification: Uncertain significance. Last evaluated: 2022-09-27. Review status: criteria provided, single submitter. Criteria: Invitae Variant Classification Sherloc (09022015). Collection method: clinical testing. Allele origin: germline.
Comment: In summary, the available evidence is currently insufficient to determine the role of this variant in disease. Therefore, it has been classified as a Variant of Uncertain Significance. Algorithms developed to predict the effect of missense changes on protein structure and function are either unavailable or do not agree on the potential impact of this missense change (SIFT: "Deleterious"; PolyPhen-2: "Benign"; Align-GVGD: "Class C0"). This variant has not been reported in the literature in individuals affected with KMT2C-related conditions. This variant is not present in population databases (gnomAD no frequency). This sequence change replaces serine, which is neutral and polar, with isoleucine, which is neutral and non-polar, at codon 1569 of the KMT2C protein (p.Ser1569Ile).

NM_170606.3(KMT2C):c.4706G>T (p.Ser1569Ile)

Gene: KMT2C (lysine methyltransferase 2C; minus strand). Cytogenetic location: 7q36.1.
Variant type: single nucleotide variant.
Coding change: c.4706G>T on transcript NM_170606.3 (MANE Select); coding-DNA position 4706, G replaced by T.
Protein change: p.Ser1569Ile; replaces serine 1569 with isoleucine.
Molecular consequence: missense variant.
Genome position (GRCh38, 1-based): chr7:152,187,802, C>A on the plus strand (G>T on the coding strand, the complement: KMT2C is on the minus strand). VCF-style: chr7-152187802-C-A. GRCh37 (hg19) VCF-style: chr7-151884887-C-A.
Other names: c.4706G>T (NM_170606.2); short protein forms S1569I.
Identifiers: ClinVar variation 2007649 (VCV002007649.5), dbSNP rs570272219, ClinGen allele CA169216813.